The following is an entry in ClinVar:

ClinVar aggregate classification (germline): Uncertain significance (1 of 4 stars; one submission).

Conditions:
Developmental and epileptic encephalopathy, 31A. Also called: Epileptic encephalopathy, early infantile, 31; Developmental and epileptic encephalopathy, 31. Identifiers: Orphanet 2382, MedGen C4225357, MONDO:0014598, OMIM 616346.

gnomAD v4.1: 1 of 1,433,712 alleles (0.00007%); highest among the groups gnomAD compares: Non-Finnish European, 0.000091%; no homozygotes.

Submission:

Labcorp Genetics (formerly Invitae), Labcorp
Classification: Uncertain significance for Developmental and epileptic encephalopathy, 31A. Last evaluated: 2025-08-29. Review status: criteria provided, single submitter. Criteria: Invitae Variant Classification Sherloc (09022015). Collection method: clinical testing. Allele origin: germline.
Comment: This sequence change replaces glutamine, which is neutral and polar, with leucine, which is neutral and non-polar, at codon 782 of the DNM1 protein (p.Gln782Leu). This variant is not present in population databases (gnomAD no frequency). This variant has not been reported in the literature in individuals affected with DNM1-related conditions. Invitae Evidence Modeling of protein sequence and biophysical properties (such as structural, functional, and spatial information, amino acid conservation, physicochemical variation, residue mobility, and thermodynamic stability) has been performed for this missense variant. However, the output from this modeling did not meet the statistical confidence thresholds required to predict the impact of this variant on DNM1 protein function. In summary, the available evidence is currently insufficient to determine the role of this variant in disease. Therefore, it has been classified as a Variant of Uncertain Significance.

NM_004408.4(DNM1):c.2345A>T (p.Gln782Leu)

Genes: DNM1 (dynamin 1; plus strand), LOC130002698 (ATAC-STARR-seq lymphoblastoid silent region 20332; plus strand). Cytogenetic location: 9q34.11.
Variant type: single nucleotide variant.
Coding change: c.2345A>T on transcript NM_004408.4 (MANE Select); coding-DNA position 2345, A replaced by T.
Protein change: p.Gln782Leu; replaces glutamine 782 with leucine.
Molecular consequence: missense variant.
Genome position (GRCh38, 1-based): chr9:128,250,751, A>T. VCF-style: chr9-128250751-A-T. GRCh37 (hg19) VCF-style: chr9-131013030-A-T.
Other names: c.2345A>T, p.Gln782Leu (NM_001005336.3, NM_001288737.2, NM_001288738.2 and 2 more transcripts); short protein forms Q782L.
Identifiers: ClinVar variation 4809048 (VCV004809048.1).